The following is an entry in ClinVar:

NM_001365902.3(NFIX):c.422C>G (p.Pro141Arg)

Gene: NFIX (nuclear factor I X; plus strand). Cytogenetic location: 19p13.13.
Variant type: single nucleotide variant.
Coding change: c.422C>G on transcript NM_001365902.3 (MANE Select); coding-DNA position 422, C replaced by G.
Protein change: p.Pro141Arg; replaces proline 141 with arginine.
Molecular consequence: missense variant.
Genome position (GRCh38, 1-based): chr19:13,025,415, C>G. VCF-style: chr19-13025415-C-G. GRCh37 (hg19) VCF-style: chr19-13136229-C-G.
Other names: c.446C>G, p.Pro149Arg (NM_001271043.2); c.398C>G, p.Pro133Arg (NM_001271044.3, NM_001378404.1); c.422C>G, p.Pro141Arg (NM_001365982.2, NM_002501.4); c.281C>G, p.Pro94Arg (NM_001365983.2); c.419C>G, p.Pro140Arg (NM_001365984.2, NM_001365985.2); c.470C>G, p.Pro157Arg (NM_001378405.1); short protein forms P149R, P141R, P94R, P157R, P133R, P140R.
Identifiers: ClinVar variation 2064301 (VCV002064301.4), dbSNP rs2013257741, ClinGen allele CA404315120.

ClinVar aggregate classification (germline): Uncertain significance (1 of 4 stars; one submission).

Conditions:
Marshall-Smith syndrome (MRSHSS). Identifiers: Orphanet 561, MedGen C0265211, MONDO:0011244, OMIM 602535.
Malan overgrowth syndrome (MALNS). Also called: MALAN SYNDROME; NFIX-Related Malan Syndrome; Sotos syndrome 2. Identifiers: Orphanet 420179, MedGen C3553660, MONDO:0013885, OMIM 614753.

Submission:

Labcorp Genetics (formerly Invitae), Labcorp
Classification: Uncertain significance for Malan overgrowth syndrome; Marshall-Smith syndrome. Last evaluated: 2022-04-08. Review status: criteria provided, single submitter. Criteria: Invitae Variant Classification Sherloc (09022015). Collection method: clinical testing. Allele origin: germline.
Comment: In summary, the available evidence is currently insufficient to determine the role of this variant in disease. Therefore, it has been classified as a Variant of Uncertain Significance. This sequence change replaces proline, which is neutral and non-polar, with arginine, which is basic and polar, at codon 149 of the NFIX protein (p.Pro149Arg). This variant is not present in population databases (gnomAD no frequency). This variant has not been reported in the literature in individuals affected with NFIX-related conditions. Algorithms developed to predict the effect of missense changes on protein structure and function are either unavailable or do not agree on the potential impact of this missense change (SIFT: "Deleterious"; PolyPhen-2: "Not Available"; Align-GVGD: "Class C0").